The following is an entry in ClinVar:

ClinVar aggregate classification (germline): Uncertain significance (1 of 4 stars; one submission).

Conditions:
UCP3-related disorder. Also called: UCP3-related condition.

Submission:

PreventionGenetics, part of Exact Sciences
Classification: Uncertain significance for UCP3-related condition. Last evaluated: 2024-10-23. Review status: criteria provided, single submitter. Criteria: ACMG Guidelines, 2015. Collection method: clinical testing. Allele origin: germline.
Comment: The UCP3 c.172T>C variant is predicted to result in the amino acid substitution p.Tyr58His. To our knowledge, this variant has not been reported in the literature or in a large population database (gnomAD), indicating this variant is rare. At this time, the clinical significance of this variant is uncertain due to the absence of conclusive functional and genetic evidence.

NM_003356.4(UCP3):c.172T>C (p.Tyr58His)

Gene: UCP3 (uncoupling protein 3; minus strand). Cytogenetic location: 11q13.4.
Variant type: single nucleotide variant.
Coding change: c.172T>C on transcript NM_003356.4 (MANE Select); coding-DNA position 172, T replaced by C.
Protein change: p.Tyr58His; replaces tyrosine 58 with histidine.
Molecular consequence: missense variant.
Genome position (GRCh38, 1-based): chr11:74,006,334, A>G on the plus strand (T>C on the coding strand, the complement: UCP3 is on the minus strand). VCF-style: chr11-74006334-A-G. GRCh37 (hg19) VCF-style: chr11-73717379-A-G.
Other names: c.172T>C, p.Tyr58His (NM_022803.3); short protein forms Y58H.
Identifiers: ClinVar variation 4998353 (VCV004998353.1).